The following is an entry in ClinVar:

ClinVar aggregate classification (germline): Uncertain significance (1 of 4 stars; one submission).

Conditions:
PIEZO2-related disorder. Also called: PIEZO2-related condition; PIEZO2-related disorders.

Submission:

PreventionGenetics, part of Exact Sciences
Classification: Uncertain significance for PIEZO2-related condition. Last evaluated: 2023-02-20. Review status: criteria provided, single submitter. Criteria: ACMG Guidelines, 2015. Collection method: clinical testing. Allele origin: germline.
Comment: The PIEZO2 c.5786T>G variant is predicted to result in the amino acid substitution p.Val1929Gly. To our knowledge, this variant has not been reported in the literature or in a large population database, indicating this variant is rare. At this time, the clinical significance of this variant is uncertain due to the absence of conclusive functional and genetic evidence.

NM_001378183.1(PIEZO2):c.6125T>G (p.Val2042Gly)

Gene: PIEZO2 (piezo type mechanosensitive ion channel component 2; minus strand). Cytogenetic location: 18p11.22.
Variant type: single nucleotide variant.
Coding change: c.6125T>G on transcript NM_001378183.1 (MANE Select); coding-DNA position 6125, T replaced by G.
Protein change: p.Val2042Gly; replaces valine 2042 with glycine.
Molecular consequence: missense variant.
Genome position (GRCh38, 1-based): chr18:10,704,527, A>C on the plus strand (T>G on the coding strand, the complement: PIEZO2 is on the minus strand). VCF-style: chr18-10704527-A-C. GRCh37 (hg19) VCF-style: chr18-10704525-A-C.
Other names: c.5861T>G, p.Val1954Gly (NM_001410871.1); c.5786T>G, p.Val1929Gly (NM_022068.4); short protein forms V1929G, V1954G, V2042G.
Identifiers: ClinVar variation 2630593 (VCV002630593.1), dbSNP rs1420217288, ClinGen allele CA401909909.
Genomic context (GRCh38, chr18:10,704,527, plus strand): 5'-ATGAGGATGGGAAGCAGGAGCGTGATCATGGAGGCAGAGACCATGTGGTTGAGGATGATC[A>C]CGAAGTAGCACACCATCTCCGAGCGGGCCACCAGGGTATTGTACATGGCATAGAAGAGCA-3'
Protein context (NP_001365112.1, residues 2032-2052): VARSEMVCYF[Val2042Gly]IILNHMVSAS